The following is an entry in ClinVar:

ClinVar aggregate classification (germline): Likely pathogenic (1 of 4 stars; one submission).

Conditions:
Intellectual developmental disorder, autosomal dominant 22. Also called: Intellectual disability, autosomal dominant 22. Identifiers: MedGen CN029689, MONDO:0012869, OMIM 612337.

Submission:

Broad Center for Mendelian Genomics, Broad Institute of MIT and Harvard
Classification: Likely pathogenic for Intellectual developmental disorder, autosomal dominant 22. Last evaluated: 2023-01-25. Review status: criteria provided, single submitter. Criteria: ACMG Guidelines, 2015. Collection method: curation. Allele origin: germline. Inheritance: Autosomal dominant inheritance.
Comment: The heterozygous p.Glu229ValfsTer17 variant in ZBTB18 was identified by our study in three affected family members with intellectual disability, developmental delay, and dysmorphic features. The p.Glu229ValfsTer17 variant in ZBTB18 has not been previously reported in individuals with autosomal dominant intellectual disability 22. This variant was absent from large population studies. This variant is predicted to cause a frameshift, which alters the protein‚Äôs amino acid sequence beginning at position 229 and leads to a premature termination codon 17 amino acids downstream. This termination codon occurs within the last exon and is more likely to escape nonsense mediated decay (NMD) and result in a truncated protein. However, the variant is predicted to remove >50% of the normal protein sequence and is therefore likely to lead to loss of function. Heterozygous loss of function of the ZBTB18 gene is strongly associated to autosomal dominant intellectual disability 22. In summary, although additional studies are required to fully establish its clinical significance, this variant is likely pathogenic for autosomal dominant intellectual disability 22. ACMG/AMP Criteria applied: PVS1_Strong, PM2_Supporting, PP1 (Richards 2015).

NM_205768.3(ZBTB18):c.686_687del (p.Glu229fs)

Gene: ZBTB18 (zinc finger and BTB domain containing 18; plus strand). Cytogenetic location: 1q44.
Variant type: Microsatellite.
Coding change: c.686_687del on transcript NM_205768.3 (MANE Select); coding-DNA positions 686 to 687, 2 bases deleted (AG; older notation c.686_687delAG).
Protein change: p.Glu229fs; shifts the reading frame from glutamic acid 229.
Molecular consequence: frameshift variant.
Genome position (GRCh38, 1-based): chr1:244,054,460-244,054,461, AG deleted; deleting any 2 consecutive bases within chr1:244,054,458-244,054,461 gives the same sequence; the c. name uses the placement nearest the transcript's 3' end. VCF-style (leftmost placement, unchanged base first): chr1-244054457-CAG-C. GRCh37 (hg19) VCF-style: chr1-244217759-CAG-C.
Other names: NM_205768.3:c.686_687del; c.659_660del, p.Glu220fs (NM_001278196.2); c.657_658AG[1], p.Glu220Valfs (NM_006352.5); short protein forms E220fs, E229fs.
Identifiers: ClinVar variation 2412700 (VCV002412700.1), dbSNP rs2527557571, ClinGen allele CA2573332362.